The following is an entry in ClinVar:

ClinVar aggregate classification (germline): Uncertain significance (1 of 4 stars; one submission).

Conditions:
Fanconi anemia (FA). Also called: Fanconi's anemia. Identifiers: Orphanet 84, MedGen C0015625, MeSH D005199, MONDO:0019391.

Allele frequency attached by ClinVar (database versions not stated): ExAC 0.00001; gnomAD exomes 0.00001.
gnomAD v4.1: 13 of 1,524,990 alleles (0.00085%); highest among the groups gnomAD compares: Non-Finnish European, 0.0012%; no homozygotes.

Submission:

Labcorp Genetics (formerly Invitae), Labcorp
Classification: Uncertain significance for Fanconi anemia. Last evaluated: 2023-02-16. Review status: criteria provided, single submitter. Criteria: Invitae Variant Classification Sherloc (09022015). Collection method: clinical testing. Allele origin: germline.
Comment: This sequence change replaces aspartic acid, which is acidic and polar, with valine, which is neutral and non-polar, at codon 1408 of the FANCM protein (p.Asp1408Val). This variant is present in population databases (rs760936975, gnomAD 0.0009%). This variant has not been reported in the literature in individuals affected with FANCM-related conditions. Algorithms developed to predict the effect of missense changes on protein structure and function output the following: SIFT: "Not Available"; PolyPhen-2: "Benign"; Align-GVGD: "Not Available". The valine amino acid residue is found in multiple mammalian species, which suggests that this missense change does not adversely affect protein function. In summary, the available evidence is currently insufficient to determine the role of this variant in disease. Therefore, it has been classified as a Variant of Uncertain Significance.

NM_020937.4(FANCM):c.4223A>T (p.Asp1408Val)

Gene: FANCM (FA complementation group M; plus strand). Cytogenetic location: 14q21.2.
Variant type: single nucleotide variant.
Coding change: c.4223A>T on transcript NM_020937.4 (MANE Select); coding-DNA position 4223, A replaced by T.
Protein change: p.Asp1408Val; replaces aspartic acid 1408 with valine.
Molecular consequence: missense variant.
Genome position (GRCh38, 1-based): chr14:45,181,430, A>T. VCF-style: chr14-45181430-A-T. GRCh37 (hg19) VCF-style: chr14-45650633-A-T.
Other names: c.4145A>T, p.Asp1382Val (NM_001308133.2); short protein forms D1408V, D1382V.
Identifiers: ClinVar variation 2714929 (VCV002714929.3), dbSNP rs760936975, ClinGen allele CA7169663.